The following is an entry in ClinVar:

ClinVar aggregate classification (germline): Uncertain significance. Review status: criteria provided, multiple submitters, no conflicts (2 of 4 stars). 2 submissions from 2 submitters: Uncertain significance (2). Last evaluated 2025-11-23.

Submissions (2):

Labcorp Genetics (formerly Invitae), Labcorp
Classification: Uncertain significance. Last evaluated: 2025-11-23. Review status: criteria provided, single submitter. Criteria: Invitae Variant Classification Sherloc (09022015). Collection method: clinical testing. Allele origin: germline.
Comment: This sequence change replaces cysteine, which is neutral and slightly polar, with phenylalanine, which is neutral and non-polar, at codon 229 of the POU4F3 protein (p.Cys229Phe). This variant is not present in population databases (gnomAD no frequency). This missense change has been observed in individual(s) with deafness (PMID: 34599366). ClinVar contains an entry for this variant (Variation ID: 546190). Invitae Evidence Modeling of protein sequence and biophysical properties (such as structural, functional, and spatial information, amino acid conservation, physicochemical variation, residue mobility, and thermodynamic stability) indicates that this missense variant is expected to disrupt POU4F3 protein function with a positive predictive value of 80%. In summary, the available evidence is currently insufficient to determine the role of this variant in disease. Therefore, it has been classified as a Variant of Uncertain Significance.

GeneDx
Classification: Uncertain significance. Last evaluated: 2018-05-18. Review status: criteria provided, single submitter. Criteria: GeneDx Variant Classification (06012015). Collection method: clinical testing. Allele origin: germline. Affected: yes.
Comment: The C229F variant has not been published as a pathogenic variant, nor has it been reported as a benign variant to our knowledge. The variant is not observed in large population cohorts (Lek et al., 2016). C229F is a non-conservative amino acid substitution, which is likely to impact secondary protein structure as these residues differ in polarity, charge, size and/or other properties. In-silico analyses, including protein predictors and evolutionary conservation, support a deleterious effect. In summary, based on the currently available information, it is unclear whether this variant is a pathogenic variant or a rare benign variant.

Literature cited by the submitters: PubMed 34599366 (cited by Labcorp Genetics (formerly Invitae), Labcorp).

NM_002700.3(POU4F3):c.686G>T (p.Cys229Phe)

Genes: POU4F3 (POU class 4 homeobox 3; plus strand), RBM27-POU4F3 (RBM27-POU4F3 readthrough; plus strand). Cytogenetic location: 5q32.
Variant type: single nucleotide variant.
Coding change: c.686G>T on transcript NM_002700.3 (MANE Select); coding-DNA position 686, G replaced by T.
Protein change: p.Cys229Phe; replaces cysteine 229 with phenylalanine.
Molecular consequence: missense variant.
Genome position (GRCh38, 1-based): chr5:146,340,113, G>T. VCF-style: chr5-146340113-G-T. GRCh37 (hg19) VCF-style: chr5-145719676-G-T.
Other names: short protein forms C229F.
Identifiers: ClinVar variation 546190 (VCV000546190.3), dbSNP rs1554087656, ClinGen allele CA361621889.
Genomic context (GRCh38, chr5:146,340,113, plus strand): 5'-GCGCGGCTCTGGCTAATCTCAAGATCCCCGGCGTGGGCTCGCTGAGCCAAAGCACCATCT[G>T]CAGGTTCGAGTCTCTCACTCTCTCGCACAACAACATGATCGCTCTCAAGCCGGTGCTCCA-3'
Protein context (NP_002691.1, residues 219-239): GVGSLSQSTI[Cys229Phe]RFESLTLSHN